The following is an entry in ClinVar:

ClinVar aggregate classification (germline): Likely pathogenic (1 of 4 stars; one submission).

Conditions:
Familial hemophagocytic lymphohistiocytosis 3 (FHL3). Also called: UNC13D-Related Familial Hemophagocytic Lymphohistiocytosis (UNC13D-fHLH). Identifiers: Orphanet 540, MedGen C1837174, MONDO:0012146, OMIM 608898.

Submission:

Neuberg Centre For Genomic Medicine, NCGM
Classification: Likely pathogenic for Familial hemophagocytic lymphohistiocytosis 3. Last evaluated: 2024-02-01. Review status: criteria provided, single submitter. Criteria: ACMG Guidelines, 2015. Collection method: clinical testing. Allele origin: germline. Inheritance: Autosomal recessive inheritance.
Comment: The invariant splice donor c.1544+1G>A variant in UNC13D gene has not been reported previously as a pathogenic variant nor as a benign variant, to our knowledge. Loss of function variants in UNC13D have been previously reported to be disease causing (Aricò et al., 2013). Additional functional studies will be required to prove the pathogenicity of this variant conclusively.

NM_199242.3(UNC13D):c.1544+1G>A

Gene: UNC13D (unc-13 homolog D; minus strand). Cytogenetic location: 17q25.1.
Variant type: single nucleotide variant.
Coding change: c.1544+1G>A on transcript NM_199242.3 (MANE Select); the canonical splice donor site of the intron after coding-DNA position 1544, G replaced by A.
Molecular consequence: splice donor variant.
Genome position (GRCh38, 1-based): chr17:75,836,011, C>T on the plus strand (G>A on the coding strand, the complement: UNC13D is on the minus strand). VCF-style: chr17-75836011-C-T. GRCh37 (hg19) VCF-style: chr17-73832092-C-T.
Identifiers: ClinVar variation 3897984 (VCV003897984.1).
Genomic context (GRCh38, chr17:75,836,011, plus strand): 5'-TCCCCATGGTTCCGGCTCTGAGGCAATGCCCCACTACCTCCCGACCTGGCTATCTGCTCA[C>T]TTGTGGAAGATCTTGTCCCATGTGCGCTGGCACTGGTGCAGGTCGCCAATGACATCCTGT-3'